The following is an entry in ClinVar:

ClinVar aggregate classification (germline): Uncertain significance (1 of 4 stars; one submission).

Conditions:
Inborn genetic diseases. Identifiers: MedGen C0950123, MeSH D030342.

Submission:

Ambry Genetics
Classification: Uncertain significance for Inborn genetic diseases. Last evaluated: 2022-04-14. Review status: criteria provided, single submitter. Criteria: Ambry Variant Classification Scheme 2023. Collection method: clinical testing. Allele origin: germline.
Comment: The c.880A>G (p.R294G) alteration is located in exon 9 (coding exon 4) of the MBD5 gene. This alteration results from an A to G substitution at nucleotide position 880, causing the arginine (R) at amino acid position 294 to be replaced by a glycine (G). This variant was not reported in population-based cohorts in the Genome Aggregation Database (gnomAD). This amino acid position is highly conserved in available vertebrate species. This alteration is predicted to be tolerated by in silico analysis. Based on insufficient or conflicting evidence, the clinical significance of this alteration remains unclear.

NM_001378120.1(MBD5):c.880A>G (p.Arg294Gly)

Gene: MBD5 (methyl-CpG binding domain protein 5; plus strand). Cytogenetic location: 2q23.1.
Variant type: single nucleotide variant.
Coding change: c.880A>G on transcript NM_001378120.1 (MANE Select); coding-DNA position 880, A replaced by G.
Protein change: p.Arg294Gly; replaces arginine 294 with glycine.
Molecular consequence: missense variant.
Genome position (GRCh38, 1-based): chr2:148,468,823, A>G. VCF-style: chr2-148468823-A-G. GRCh37 (hg19) VCF-style: chr2-149226392-A-G.
Other names: c.880A>G, p.Arg294Gly (NM_018328.5); short protein forms R294G.
Identifiers: ClinVar variation 2280365 (VCV002280365.2), dbSNP rs2469858632, ClinGen allele CA348717911.